The following is an entry in ClinVar:

ClinVar aggregate classification (germline): Uncertain significance. Review status: criteria provided, single submitter (1 of 4 stars). 2 submissions from 2 submitters: Uncertain significance (1). 1 of the submissions does not count toward it. Last evaluated 2025-01-04.

Conditions:
KCNK18-related disorder. Also called: KCNK18-related condition.

Allele frequency attached by ClinVar (database versions not stated): gnomAD 0.00018; ESP Exome Variant Server 0.00038.
gnomAD v4.1: 71 of 1,611,546 alleles (0.0044%); highest among the groups gnomAD compares: African/African-American, 0.08%; no homozygotes.

Submissions (2):

Ambry Genetics
Classification: Uncertain significance. Last evaluated: 2025-01-04. Review status: criteria provided, single submitter. Criteria: Ambry Variant Classification Scheme 2023. Collection method: clinical testing. Allele origin: germline.

PreventionGenetics, part of Exact Sciences
Classification: Likely benign for KCNK18-related condition. Last evaluated: 2023-03-24. Review status: no assertion criteria provided. Collection method: clinical testing. Allele origin: germline. Not counted in ClinVar's aggregate classification.
Comment: This variant is classified as likely benign based on ACMG/AMP sequence variant interpretation guidelines (Richards et al. 2015 PMID: 25741868, with internal and published modifications).

NM_181840.1(KCNK18):c.568C>A (p.Pro190Thr)

Gene: KCNK18 (potassium two pore domain channel subfamily K member 18; plus strand). Cytogenetic location: 10q25.3.
Variant type: single nucleotide variant.
Coding change: c.568C>A on transcript NM_181840.1 (MANE Select); coding-DNA position 568, C replaced by A.
Protein change: p.Pro190Thr; replaces proline 190 with threonine.
Molecular consequence: missense variant.
Genome position (GRCh38, 1-based): chr10:117,209,712, C>A. VCF-style: chr10-117209712-C-A. GRCh37 (hg19) VCF-style: chr10-118969223-C-A.
Other names: short protein forms P190T.
Identifiers: ClinVar variation 3036328 (VCV003036328.3), dbSNP rs372982639, ClinGen allele CA5710020.